The following is an entry in ClinVar:

ClinVar aggregate classification (germline): Likely pathogenic (1 of 4 stars; one submission).

Submission:

Labcorp Genetics (formerly Invitae), Labcorp
Classification: Likely pathogenic. Last evaluated: 2023-06-20. Review status: criteria provided, single submitter. Criteria: Invitae Variant Classification Sherloc (09022015). Collection method: clinical testing. Allele origin: unknown.
Comment: This variant results in a copy number gain of the genomic region encompassing exon(s) 18 of the PHEX gene. While the exact position of this variant cannot be determined from the data, sub-genic copy number gains are generally in tandem (PMID: 25640679). This variant is predicted to be out-of-frame, and may result in an absent or disrupted protein product. Loss-of-function variants in PHEX are known to be pathogenic (PMID: 9097956, 9106524, 19219621). This variant has not been reported in the literature in individuals affected with PHEX-related conditions. In summary, the currently available evidence indicates that the variant is pathogenic, but additional data are needed to prove that conclusively. Therefore, this variant has been classified as Likely Pathogenic.

Literature cited by the submitters: PubMed 25640679; PubMed 9097956; PubMed 9106524; PubMed 19219621.

NC_000023.10:g.(?_22239710)_(22239880_?)dup

Gene: PHEX (phosphate regulating endopeptidase X-linked; plus strand). Cytogenetic location: Xp22.11.
Variant type: Duplication.
Identifiers: ClinVar variation 3246077 (VCV003246077.1).